The following is an entry in ClinVar:

NM_007194.4(CHEK2):c.1542+6C>T

Gene: CHEK2 (checkpoint kinase 2; minus strand). Cytogenetic location: 22q12.1.
Variant type: single nucleotide variant.
Coding change: c.1542+6C>T on transcript NM_007194.4 (MANE Select); 6 bases into the intron after coding-DNA position 1542, C replaced by T.
Molecular consequence: intron variant.
Genome position (GRCh38, 1-based): chr22:28,689,129, G>A on the plus strand (C>T on the coding strand, the complement: CHEK2 is on the minus strand). VCF-style: chr22-28689129-G-A. GRCh37 (hg19) VCF-style: chr22-29085117-G-A.
Other names: c.879+6C>T (NM_001437942.1, NM_001257387.3); c.1341+6C>T (NM_001349956.3); c.1455+6C>T (NM_145862.3); c.1548+6C>T (NM_001438295.1); c.1635+6C>T (NM_001438293.1); c.1584+6C>T (NM_001438294.1); c.1671+6C>T (NM_001005735.3).
Identifiers: ClinVar variation 491604 (VCV000491604.15), dbSNP rs1414780425, ClinGen allele CA638795575.
Genomic context (GRCh38, chr22:28,689,129, plus strand): 5'-CATCATCTTTGCTTATCAGCTCCTTAAGCCCAGACTACATTTAGTGATCATCAGGAATAC[G>A]AATACCTGGGCTAGAACCTGGGGTAGAGCTGTGGATTCATTTTCCTCAGACAGAAGATCT-3'

ClinVar aggregate classification (germline): Likely benign. Review status: criteria provided, multiple submitters, no conflicts (2 of 4 stars). 3 submissions from 3 submitters: Likely benign (3). Last evaluated 2025-03-18.

Conditions:
Hereditary cancer-predisposing syndrome. Also called: Hereditary neoplastic syndrome; Tumor predisposition; Hereditary Cancer Syndrome; Neoplastic Syndromes, Hereditary. Identifiers: Orphanet 140162, MedGen C0027672, MeSH D009386, MONDO:0015356.
Familial cancer of breast. Also called: Hereditary breast cancer; hereditary breast carcinoma; BREAST CANCER, FAMILIAL. Identifiers: Orphanet 227535, MedGen C0346153, MONDO:0016419, OMIM 114480. Disease mechanism: loss of function.

Allele frequency attached by ClinVar (database versions not stated): gnomAD exomes below 0.00001; gnomAD 0.00001.
gnomAD v4.1: 7 of 1,583,102 alleles (0.00044%); highest among the groups gnomAD compares: Non-Finnish European, 0.00051%; no homozygotes.

Submissions (3):

Labcorp Genetics (formerly Invitae), Labcorp
Classification: Likely benign for Familial cancer of breast. Last evaluated: 2025-03-18. Review status: criteria provided, single submitter. Criteria: Invitae Variant Classification Sherloc (09022015). Collection method: clinical testing. Allele origin: germline.

Myriad Genetics, Inc.
Classification: Likely benign for Familial cancer of breast. Last evaluated: 2023-12-19. Review status: criteria provided, single submitter. Criteria: Myriad Autosomal Dominant, Autosomal Recessive and X-Linked Classification Criteria (2023). Collection method: clinical testing. Allele origin: unknown.
Comment: This variant is considered likely benign. This variant is intronic and is not expected to impact mRNA splicing.

Color Diagnostics, LLC DBA Color Health
Classification: Likely benign for Hereditary cancer-predisposing syndrome. Last evaluated: 2017-09-26. Review status: criteria provided, single submitter. Criteria: ACMG Guidelines, 2015. Collection method: clinical testing. Allele origin: germline.